The following is an entry in ClinVar:

ClinVar aggregate classification (germline): Uncertain significance (1 of 4 stars; one submission).

Submission:

CeGaT Center for Human Genetics Tuebingen
Classification: Uncertain significance. Last evaluated: 2025-09-01. Review status: criteria provided, single submitter. Criteria: CeGaT Center For Human Genetics Tuebingen Variant Classification Criteria Version 2. Collection method: clinical testing. Allele origin: germline. Affected: yes. Observed: 2 variant alleles.
Comment: FLG: PM2, BP4

NM_002016.2(FLG):c.8858G>A (p.Arg2953His)

Genes: CCDST (cervical cancer associated DHX9 suppressive transcript; plus strand), FLG (filaggrin; minus strand). Cytogenetic location: 1q21.3.
Variant type: single nucleotide variant.
Coding change: c.8858G>A on transcript NM_002016.2 (MANE Select); coding-DNA position 8858, G replaced by A.
Protein change: p.Arg2953His; replaces arginine 2953 with histidine.
Molecular consequence: missense variant.
Genome position (GRCh38, 1-based): chr1:152,306,028, C>T on the plus strand (G>A on the coding strand, the complement: FLG is on the minus strand). VCF-style: chr1-152306028-C-T. GRCh37 (hg19) VCF-style: chr1-152278504-C-T.
Other names: short protein forms R2953H.
Identifiers: ClinVar variation 3257659 (VCV003257659.17).